The following is an entry in ClinVar:

ClinVar aggregate classification (germline): Uncertain significance (1 of 4 stars; one submission).

Conditions:
Duchenne muscular dystrophy (DMD). Also called: MUSCULAR DYSTROPHY, PSEUDOHYPERTROPHIC PROGRESSIVE, DUCHENNE TYPE; Duchenne Muscular Dystrophy (DMD). Identifiers: Orphanet 98896, MedGen C0013264, MONDO:0010679, OMIM 310200.

gnomAD v4.1: 7 of 1,211,761 alleles (0.00058%); highest among the groups gnomAD compares: Non-Finnish European, 0.00067%; no homozygotes.

Submission:

Labcorp Genetics (formerly Invitae), Labcorp
Classification: Uncertain significance for Duchenne muscular dystrophy. Last evaluated: 2021-09-01. Review status: criteria provided, single submitter. Criteria: Invitae Variant Classification Sherloc (09022015). Collection method: clinical testing. Allele origin: germline.
Comment: This sequence change replaces arginine with lysine at codon 2600 of the DMD protein (p.Arg2600Lys). The arginine residue is moderately conserved and there is a small physicochemical difference between arginine and lysine. This variant is not present in population databases (ExAC no frequency). This variant has not been reported in the literature in individuals affected with DMD-related conditions. Algorithms developed to predict the effect of missense changes on protein structure and function output the following: SIFT: "Tolerated"; PolyPhen-2: "Benign"; Align-GVGD: "Class C0". The lysine amino acid residue is found in multiple mammalian species, which suggests that this missense change does not adversely affect protein function. In summary, the available evidence is currently insufficient to determine the role of this variant in disease. Therefore, it has been classified as a Variant of Uncertain Significance.

NM_004006.3(DMD):c.7799G>A (p.Arg2600Lys)

Gene: DMD (dystrophin; minus strand). Cytogenetic location: Xp21.1.
Variant type: single nucleotide variant.
Coding change: c.7799G>A on transcript NM_004006.3 (MANE Select); coding-DNA position 7799, G replaced by A.
Protein change: p.Arg2600Lys; replaces arginine 2600 with lysine.
Molecular consequence: missense variant.
Genome position (GRCh38, 1-based): chrX:31,679,448, C>T on the plus strand (G>A on the coding strand, the complement: DMD is on the minus strand). VCF-style: chrX-31679448-C-T. GRCh37 (hg19) VCF-style: chrX-31697565-C-T.
Other names: c.7775G>A, p.Arg2592Lys (NM_000109.4); c.7787G>A, p.Arg2596Lys (NM_004009.3); c.7430G>A, p.Arg2477Lys (NM_004010.3); c.3776G>A, p.Arg1259Lys (NM_004011.4); c.3767G>A, p.Arg1256Lys (NM_004012.4); c.419G>A, p.Arg140Lys (NM_004013.3, NM_004020.4, NM_004021.3 and 2 more transcripts); short protein forms R140K, R2600K, R1256K, R2596K, R1259K, R2477K, R2592K.
Identifiers: ClinVar variation 1398924 (VCV001398924.5), dbSNP rs747127624, ClinGen allele CA412656709.